The following is an entry in ClinVar:

ClinVar aggregate classification (germline): Uncertain significance (1 of 4 stars; one submission).

Conditions:
Complement component 3 deficiency. Identifiers: Orphanet 280133, MedGen C3151071, MONDO:0013417, OMIM 613779.
C3 glomerulonephritis. Also called: Nephropathy due to CFHR5 Deficiency; C3 GLOMERULOPATHY 3. Identifiers: Orphanet 329931, MedGen C4055342, MONDO:0013892, OMIM 614809.
Atypical hemolytic-uremic syndrome. Identifiers: Orphanet 2134, MedGen C2931788, MONDO:0016244.

Submission:

Genomenon, Inc
Classification: Uncertain significance for Complement component 3 deficiency; C3 glomerulonephritis; Atypical hemolytic-uremic syndrome. Last evaluated: 2025-09-30. Review status: criteria provided, single submitter. Criteria: Genomenon Sequence Variant Interpretation Standards. Collection method: curation. Allele origin: germline. Affected: no.
Comment: C3 p.Gly1009Ala (c.3026G>C) is a missense variant that changes the amino acid at residue 1009 from Glycine to Alanine. This variant has been reported in the published literature (PMID:9041627;1577777). It is absent or not present at a significant frequency in gnomAD. In silico models agree that this variant is possibly or probably damaging. In conclusion, we classify C3 p.Gly1009Ala (c.3026G>C) as a variant of unknown significance.

Literature cited by the submitters: PubMed 9041627; PubMed 1577777.

NM_000064.4(C3):c.3026G>C (p.Gly1009Ala)

Gene: C3 (complement C3; minus strand). Cytogenetic location: 19p13.3.
Variant type: single nucleotide variant.
Coding change: c.3026G>C on transcript NM_000064.4 (MANE Select); coding-DNA position 3026, G replaced by C.
Protein change: p.Gly1009Ala; replaces glycine 1009 with alanine.
Molecular consequence: missense variant.
Genome position (GRCh38, 1-based): chr19:6,694,559, C>G on the plus strand (G>C on the coding strand, the complement: C3 is on the minus strand). VCF-style: chr19-6694559-C-G. GRCh37 (hg19) VCF-style: chr19-6694570-C-G.
Other names: short protein forms G1009A.
Identifiers: ClinVar variation 4280176 (VCV004280176.1).